The following is an entry in ClinVar:

ClinVar aggregate classification (germline): Likely benign (1 of 4 stars; one submission).

gnomAD v4.1: 176 of 1,612,666 alleles (0.011%); highest among the groups gnomAD compares: Admixed American, 0.032%; no homozygotes.

Submission:

CeGaT Center for Human Genetics Tuebingen
Classification: Likely benign. Last evaluated: 2025-12-01. Review status: criteria provided, single submitter. Criteria: CeGaT Center For Human Genetics Tuebingen Variant Classification Criteria Version 2. Collection method: clinical testing. Allele origin: germline. Affected: yes. Observed: 1 variant allele.
Comment: KDM3B: BS2

NM_016604.4(KDM3B):c.3435+15G>A

Gene: KDM3B (lysine demethylase 3B; plus strand). Cytogenetic location: 5q31.2.
Variant type: single nucleotide variant.
Coding change: c.3435+15G>A on transcript NM_016604.4 (MANE Select); 15 bases into the intron after coding-DNA position 3435, G replaced by A.
Molecular consequence: intron variant.
Genome position (GRCh38, 1-based): chr5:138,417,625, G>A. VCF-style: chr5-138417625-G-A. GRCh37 (hg19) VCF-style: chr5-137753314-G-A.
Identifiers: ClinVar variation 4681504 (VCV004681504.5).
Genomic context (GRCh38, chr5:138,417,625, plus strand): 5'-GAACAAATCTGTATTGAGACCTGCCGTCACCAATGGGATGTCACAGGTAAACTGGTGTGT[G>A]TGGGTATAACTAAGTGAAGCCTAAATTTTTTTGTACCAGGAAATGCCCCCTTTTCAACTC-3'